The following is an entry in ClinVar:

ClinVar aggregate classification (germline): Conflicting classifications of pathogenicity. Review status: criteria provided, conflicting classifications (1 of 4 stars). 2 submissions from 2 submitters: Likely pathogenic (1); Uncertain significance (1). Last evaluated 2026-08-06.

Conditions:
Inborn genetic diseases. Identifiers: MedGen C0950123, MeSH D030342.

gnomAD v4.1: 8 of 1,612,780 alleles (0.0005%); highest among the groups gnomAD compares: Non-Finnish European, 0.00068%; no homozygotes.

Submissions (2):

Ambry Genetics
Classification: Likely pathogenic for Inborn genetic diseases. Last evaluated: 2026-08-06. Review status: criteria provided, single submitter. Criteria: Ambry Variant Classification Scheme 2023. Collection method: clinical testing. Allele origin: germline.
Comment: The c.1064C>A (p.A355E) alteration is located in exon 3 (coding exon 3) of the TYR gene. This alteration results from a C to A substitution at nucleotide position 1064, causing the alanine (A) at amino acid position 355 to be replaced by a glutamic acid (E). This variant was not reported in population-based cohorts in the Genome Aggregation Database (gnomAD). This variant has been identified in the homozygous state and/or in conjunction with other TYR variant(s) in individual(s) with features consistent with TYR-related oculocutaneous albinism; in at least one instance, the variants were identified in trans (Oetting, 1994). This amino acid position is well conserved in available vertebrate species. This alteration is predicted to be deleterious by in silico analysis. Based on the available evidence, this alteration is classified as likely pathogenic.

Labcorp Genetics (formerly Invitae), Labcorp
Classification: Uncertain significance. Last evaluated: 2025-12-06. Review status: criteria provided, single submitter. Criteria: Invitae Variant Classification Sherloc (09022015). Collection method: clinical testing. Allele origin: germline.
Comment: This sequence change replaces alanine, which is neutral and non-polar, with glutamic acid, which is acidic and polar, at codon 355 of the TYR protein (p.Ala355Glu). This variant is not present in population databases (gnomAD no frequency). This missense change has been observed in individual(s) with ocular albinism and/or oculocutaneous albinism (PMID: 8026428; internal data). Invitae Evidence Modeling of protein sequence and biophysical properties (such as structural, functional, and spatial information, amino acid conservation, physicochemical variation, residue mobility, and thermodynamic stability) has been performed for this missense variant. However, the output from this modeling did not meet the statistical confidence thresholds required to predict the impact of this variant on TYR protein function. This variant disrupts the p.Ala355 amino acid residue in TYR. Other variant(s) that disrupt this residue have been determined to be pathogenic (internal data). This suggests that this residue is clinically significant, and that variants that disrupt this residue are likely to be disease-causing. In summary, the available evidence is currently insufficient to determine the role of this variant in disease. Therefore, it has been classified as a Variant of Uncertain Significance.

Literature cited by the submitters: PubMed 8026428 (cited by Ambry Genetics and Labcorp Genetics (formerly Invitae), Labcorp).

NM_000372.5(TYR):c.1064C>A (p.Ala355Glu)

Gene: TYR (tyrosinase; plus strand). Cytogenetic location: 11q14.3.
Variant type: single nucleotide variant.
Coding change: c.1064C>A on transcript NM_000372.5 (MANE Select); coding-DNA position 1064, C replaced by A.
Protein change: p.Ala355Glu; replaces alanine 355 with glutamic acid.
Molecular consequence: missense variant.
Genome position (GRCh38, 1-based): chr11:89,227,850, C>A. VCF-style: chr11-89227850-C-A. GRCh37 (hg19) VCF-style: chr11-88961018-C-A.
Other names: c.1064C>A (NM_000372.4); short protein forms A355E.
Identifiers: ClinVar variation 4709878 (VCV004709878.2).